The following is an entry in ClinVar:

ClinVar aggregate classification (germline): Benign (0 of 4 stars; one submission).

Conditions:
LZTS1-related disorder. Also called: LZTS1-related condition.

Allele frequency attached by ClinVar (database versions not stated): gnomAD exomes 0.00020; ExAC 0.00064; 1000 Genomes Project 30x 0.00187; 1000 Genomes Project 0.00200; gnomAD 0.00200; TOPMed 0.00237; ESP Exome Variant Server 0.00246.
gnomAD v4.1: 595 of 1,589,626 alleles (0.037%); highest among the groups gnomAD compares: African/African-American, 0.75%; 5 homozygotes.

Submission:

PreventionGenetics, part of Exact Sciences
Classification: Benign for LZTS1-related condition. Last evaluated: 2019-11-06. Review status: no assertion criteria provided. Collection method: clinical testing. Allele origin: germline.
Comment: This variant is classified as benign based on ACMG/AMP sequence variant interpretation guidelines (Richards et al. 2015 PMID: 25741868, with internal and published modifications).

NM_021020.5(LZTS1):c.*10T>A

Gene: LZTS1 (leucine zipper tumor suppressor 1; minus strand). Cytogenetic location: 8p21.3.
Variant type: single nucleotide variant.
Coding change: c.*10T>A on transcript NM_021020.5 (MANE Select); 10 bases downstream of the stop codon, T replaced by A.
Molecular consequence: 3 prime UTR variant.
Genome position (GRCh38, 1-based): chr8:20,249,712, A>T on the plus strand (T>A on the coding strand, the complement: LZTS1 is on the minus strand). VCF-style: chr8-20249712-A-T. GRCh37 (hg19) VCF-style: chr8-20107223-A-T.
Other names: c.*10T>A (NM_001362884.2).
Identifiers: ClinVar variation 3052596 (VCV003052596.2), dbSNP rs201778528, ClinGen allele CA4657186.